The following is an entry in ClinVar:

ClinVar aggregate classification (germline): Conflicting classifications of pathogenicity. Review status: criteria provided, conflicting classifications (1 of 4 stars). 4 submissions from 4 submitters: Uncertain significance (2); Likely benign (1). 1 of the submissions does not count toward it. Last evaluated 2023-05-16.

Conditions:
Nemaline myopathy 2 (NEM2). Also called: Nemaline myopathy 2, autosomal recessive. Identifiers: MedGen C1850569, MONDO:0009725, OMIM 256030.

Allele frequency attached by ClinVar (database versions not stated): ExAC 0.00001; TOPMed 0.00002.
gnomAD v4.1: 19 of 1,613,988 alleles (0.0012%); highest among the groups gnomAD compares: Admixed American, 0.005%; no homozygotes.

Submissions (4):

Labcorp Genetics (formerly Invitae), Labcorp
Classification: Likely benign for Nemaline myopathy 2. Last evaluated: 2023-05-16. Review status: criteria provided, single submitter. Criteria: Invitae Variant Classification Sherloc (09022015). Collection method: clinical testing. Allele origin: germline.

GeneDx
Classification: Uncertain significance. Last evaluated: 2020-06-01. Review status: criteria provided, single submitter. Criteria: GeneDx Variant Classification Process June 2021. Collection method: clinical testing. Allele origin: germline. Affected: yes.
Comment: Has not been previously published as pathogenic or benign to our knowledge; In silico analysis supports that this missense variant does not alter protein structure/function; Not observed at a significant frequency in large population cohorts (Lek et al., 2016)

Revvity Omics, Revvity
Classification: Uncertain significance. Last evaluated: 2020-01-30. Review status: criteria provided, single submitter. Criteria: ACMG Guidelines, 2015. Collection method: clinical testing. Allele origin: germline.

Natera, Inc.
Classification: Uncertain significance for Nemaline myopathy type 2. Last evaluated: 2020-05-29. Review status: no assertion criteria provided. Collection method: clinical testing. Allele origin: germline. Not counted in ClinVar's aggregate classification.

NM_001164508.2(NEB):c.22132G>A (p.Val7378Ile)

Genes: NEB (nebulin; minus strand), RIF1 (replication timing regulatory factor 1; plus strand). Cytogenetic location: 2q23.3.
Variant type: single nucleotide variant.
Coding change: c.22132G>A on transcript NM_001164508.2 (MANE Select); coding-DNA position 22132, G replaced by A.
Protein change: p.Val7378Ile; replaces valine 7378 with isoleucine.
Molecular consequence: missense variant.
Genome position (GRCh38, 1-based): chr2:151,525,987, C>T on the plus strand (G>A on the coding strand, the complement: NEB is on the minus strand). VCF-style: chr2-151525987-C-T. GRCh37 (hg19) VCF-style: chr2-152382501-C-T.
Other names: c.22132G>A, p.Val7378Ile (NM_001164507.2); c.22237G>A, p.Val7413Ile (NM_001271208.2); c.17029G>A, p.Val5677Ile (NM_004543.5); short protein forms V7378I, V5677I, V7413I.
Identifiers: ClinVar variation 941807 (VCV000941807.15), dbSNP rs764524918, ClinGen allele CA1906767.